The following is an entry in ClinVar:

NM_001364905.1(LRBA):c.173G>C (p.Gly58Ala)

Gene: LRBA (LPS responsive beige-like anchor protein; minus strand). Cytogenetic location: 4q31.3.
Variant type: single nucleotide variant.
Coding change: c.173G>C on transcript NM_001364905.1 (MANE Select); coding-DNA position 173, G replaced by C.
Protein change: p.Gly58Ala; replaces glycine 58 with alanine.
Molecular consequence: missense variant.
Genome position (GRCh38, 1-based): chr4:151,014,470, C>G on the plus strand (G>C on the coding strand, the complement: LRBA is on the minus strand). VCF-style: chr4-151014470-C-G. GRCh37 (hg19) VCF-style: chr4-151935622-C-G.
Other names: c.173G>C, p.Gly58Ala (NM_001199282.3, NM_001367550.1, NM_006726.5); short protein forms G58A.
Identifiers: ClinVar variation 1477107 (VCV001477107.7), dbSNP rs79361576, ClinGen allele CA3103955.

ClinVar aggregate classification (germline): Uncertain significance. Review status: criteria provided, multiple submitters, no conflicts (2 of 4 stars). 2 submissions from 2 submitters: Uncertain significance (2). Last evaluated 2023-05-09.

Conditions:
Combined immunodeficiency due to LRBA deficiency. Also called: Common variable immunodeficiency 8, with autoimmunity. Identifiers: Orphanet 445018, MedGen C3553512, MONDO:0013863, OMIM 614700.

Allele frequency attached by ClinVar (database versions not stated): gnomAD 0.00001 and 0.00003; TOPMed 0.00001; ExAC 0.00007; 1000 Genomes Project 30x 0.00062; 1000 Genomes Project 0.00080.
gnomAD v4.1: 87 of 1,614,222 alleles (0.0054%); highest among the groups gnomAD compares: East Asian, 0.19%; no homozygotes.

Submissions (2):

Blueprint Genetics
Classification: Uncertain significance. Last evaluated: 2023-05-09. Review status: criteria provided, single submitter. Criteria: ACMG Guidelines, 2015. Collection method: clinical testing. Allele origin: germline.

Labcorp Genetics (formerly Invitae), Labcorp
Classification: Uncertain significance for Combined immunodeficiency due to LRBA deficiency. Last evaluated: 2021-04-29. Review status: criteria provided, single submitter. Criteria: Invitae Variant Classification Sherloc (09022015). Collection method: clinical testing. Allele origin: germline.
Comment: In summary, the available evidence is currently insufficient to determine the role of this variant in disease. Therefore, it has been classified as a Variant of Uncertain Significance. Algorithms developed to predict the effect of missense changes on protein structure and function are either unavailable or do not agree on the potential impact of this missense change (SIFT: "Tolerated"; PolyPhen-2: "Probably Damaging"; Align-GVGD: "Class C0"). This variant has not been reported in the literature in individuals with LRBA-related conditions. This variant is present in population databases (rs79361576, ExAC 0.09%). This sequence change replaces glycine with alanine at codon 58 of the LRBA protein (p.Gly58Ala). The glycine residue is weakly conserved and there is a small physicochemical difference between glycine and alanine.